The following is an entry in ClinVar:

ClinVar aggregate classification (germline): Uncertain significance (1 of 4 stars; one submission).

Conditions:
Charcot-Marie-Tooth disease type 4. Also called: Charcot-Marie-Tooth, Type 4; Charcot-Marie-Tooth disease, type IV. Identifiers: Orphanet 64749, MedGen C4082197, MONDO:0018995.

Allele frequency attached by ClinVar (database versions not stated): gnomAD exomes below 0.00001.
gnomAD v4.1: 5 of 1,431,162 alleles (0.00035%); highest among the groups gnomAD compares: Non-Finnish European, 0.00048%; no homozygotes.

Submission:

Labcorp Genetics (formerly Invitae), Labcorp
Classification: Uncertain significance for Charcot-Marie-Tooth disease type 4. Last evaluated: 2021-07-14. Review status: criteria provided, single submitter. Criteria: Invitae Variant Classification Sherloc (09022015). Collection method: clinical testing. Allele origin: germline.
Comment: This variant is not present in population databases (ExAC no frequency). This sequence change falls in intron 16 of the FIG4 gene. It does not directly change the encoded amino acid sequence of the FIG4 protein. In summary, the available evidence is currently insufficient to determine the role of this variant in disease. Therefore, it has been classified as a Variant of Uncertain Significance. Algorithms developed to predict the effect of sequence changes on RNA splicing suggest that this variant may create or strengthen a splice site. This variant has not been reported in the literature in individuals affected with FIG4-related conditions.

NM_014845.6(FIG4):c.1890-14T>G

Gene: FIG4 (FIG4 phosphoinositide 5-phosphatase; plus strand). Cytogenetic location: 6q21.
Variant type: single nucleotide variant.
Coding change: c.1890-14T>G on transcript NM_014845.6 (MANE Select); 14 bases into the intron before coding-DNA position 1890, T replaced by G.
Molecular consequence: intron variant.
Genome position (GRCh38, 1-based): chr6:109,784,956, T>G. VCF-style: chr6-109784956-T-G. GRCh37 (hg19) VCF-style: chr6-110106159-T-G.
Identifiers: ClinVar variation 1358359 (VCV001358359.6), dbSNP rs1562682595, ClinGen allele CA2573140365.